The following is an entry in ClinVar:

ClinVar aggregate classification (germline): Uncertain significance (1 of 4 stars; one submission).

Conditions:
Insulin-dependent diabetes mellitus secretory diarrhea syndrome (IPEX). Also called: Immunodysregulation, polyendocrinopathy, and enteropathy, X-linked; Immune dysregulation-polyendocrinopathy-enteropathy-X-linked syndrome; Immunodeficiency, Polyendocrinopathy, and Enteropathy X-Linked Syndrome; X-Linked Syndrome of Polyendocrinopathy, Immune Dysfunction, and Diarrhea; IPEX and IPEX-Like; DIABETES MELLITUS, CONGENITAL INSULIN-DEPENDENT, WITH FATAL SECRETORY DIARRHEA. Identifiers: Orphanet 37042, MedGen C0342288, MONDO:0010580, OMIM 304790. Disease mechanism: loss of function.

Submission:

Labcorp Genetics (formerly Invitae), Labcorp
Classification: Uncertain significance for Insulin-dependent diabetes mellitus secretory diarrhea syndrome. Last evaluated: 2024-11-29. Review status: criteria provided, single submitter. Criteria: Invitae Variant Classification Sherloc (09022015). Collection method: clinical testing. Allele origin: germline.
Comment: This sequence change replaces serine, which is neutral and polar, with arginine, which is basic and polar, at codon 175 of the FOXP3 protein (p.Ser175Arg). This variant is not present in population databases (gnomAD no frequency). This variant has not been reported in the literature in individuals affected with FOXP3-related conditions. Invitae Evidence Modeling of protein sequence and biophysical properties (such as structural, functional, and spatial information, amino acid conservation, physicochemical variation, residue mobility, and thermodynamic stability) indicates that this missense variant is not expected to disrupt FOXP3 protein function with a negative predictive value of 80%. In summary, the available evidence is currently insufficient to determine the role of this variant in disease. Therefore, it has been classified as a Variant of Uncertain Significance.

NM_014009.4(FOXP3):c.525T>A (p.Ser175Arg)

Gene: FOXP3 (forkhead box P3; minus strand). Cytogenetic location: Xp11.23.
Variant type: single nucleotide variant.
Coding change: c.525T>A on transcript NM_014009.4 (MANE Select); coding-DNA position 525, T replaced by A.
Protein change: p.Ser175Arg; replaces serine 175 with arginine.
Molecular consequence: missense variant.
Genome position (GRCh38, 1-based): chrX:49,256,942, A>T on the plus strand (T>A on the coding strand, the complement: FOXP3 is on the minus strand). VCF-style: chrX-49256942-A-T. GRCh37 (hg19) VCF-style: chrX-49113399-A-T.
Other names: c.420T>A, p.Ser140Arg (NM_001114377.2); short protein forms S140R, S175R.
Identifiers: ClinVar variation 3615797 (VCV003615797.2).